The following is an entry in ClinVar:

ClinVar aggregate classification (germline): Likely benign (1 of 4 stars; one submission).

Allele frequency attached by ClinVar (database versions not stated): 1000 Genomes Project 0.00579; ESP Exome Variant Server 0.00584; 1000 Genomes Project 30x 0.00640; gnomAD 0.00641; TOPMed 0.00685; ExAC 0.00738.
gnomAD v4.1: 13,865 of 1,613,772 alleles (0.86%); highest among the groups gnomAD compares: Middle Eastern, 1.6%; 86 homozygotes.

Submission:

CeGaT Center for Human Genetics Tuebingen
Classification: Likely benign. Last evaluated: 2023-04-01. Review status: criteria provided, single submitter. Criteria: CeGaT Center For Human Genetics Tuebingen Variant Classification Criteria Version 2. Collection method: clinical testing. Allele origin: germline. Affected: yes. Observed: 1 variant allele.
Comment: S100PBP: BP4, BP7, BS2

NM_022753.4(S100PBP):c.489C>T (p.Asp163=)

Gene: S100PBP (S100P binding protein; plus strand). Cytogenetic location: 1p35.1.
Variant type: single nucleotide variant.
Coding change: c.489C>T on transcript NM_022753.4 (MANE Select); coding-DNA position 489, C replaced by T.
Protein change: p.Asp163=; no amino-acid change (aspartic acid 163 retained).
Molecular consequence: synonymous variant. On other transcripts: non-coding transcript variant (2).
Genome position (GRCh38, 1-based): chr1:32,826,588, C>T. VCF-style: chr1-32826588-C-T. GRCh37 (hg19) VCF-style: chr1-33292189-C-T.
Other names: c.489C>T, p.Asp163= (NM_001256121.2).
Identifiers: ClinVar variation 2638615 (VCV002638615.24), dbSNP rs41265867, ClinGen allele CA745438.